The following is an entry in ClinVar:

ClinVar aggregate classification (germline): Uncertain significance (1 of 4 stars; one submission).

Submission:

Labcorp Genetics (formerly Invitae), Labcorp
Classification: Uncertain significance. Last evaluated: 2022-09-02. Review status: criteria provided, single submitter. Criteria: Invitae Variant Classification Sherloc (09022015). Collection method: clinical testing. Allele origin: germline.
Comment: Algorithms developed to predict the effect of missense changes on protein structure and function (SIFT, PolyPhen-2, Align-GVGD) all suggest that this variant is likely to be disruptive. In summary, the available evidence is currently insufficient to determine the role of this variant in disease. Therefore, it has been classified as a Variant of Uncertain Significance. This variant has not been reported in the literature in individuals affected with SRCAP-related conditions. This sequence change replaces glutamic acid, which is acidic and polar, with aspartic acid, which is acidic and polar, at codon 1974 of the SRCAP protein (p.Glu1974Asp). This variant is not present in population databases (gnomAD no frequency).

NM_006662.3(SRCAP):c.5922G>C (p.Glu1974Asp)

Gene: SRCAP (Snf2 related CREBBP activator protein; plus strand). Cytogenetic location: 16p11.2.
Variant type: single nucleotide variant.
Coding change: c.5922G>C on transcript NM_006662.3 (MANE Select); coding-DNA position 5922, G replaced by C.
Protein change: p.Glu1974Asp; replaces glutamic acid 1974 with aspartic acid.
Molecular consequence: missense variant.
Genome position (GRCh38, 1-based): chr16:30,729,229, G>C. VCF-style: chr16-30729229-G-C. GRCh37 (hg19) VCF-style: chr16-30740550-G-C.
Other names: short protein forms E1974D.
Identifiers: ClinVar variation 1717061 (VCV001717061.5), dbSNP rs2506698013, ClinGen allele CA395621707.